The following is an entry in ClinVar:

NM_000238.4(KCNH2):c.667G>T (p.Ala223Ser)

Gene: KCNH2 (potassium voltage-gated channel subfamily H member 2; minus strand). Cytogenetic location: 7q36.1.
Variant type: single nucleotide variant.
Coding change: c.667G>T on transcript NM_000238.4 (MANE Select); coding-DNA position 667, G replaced by T.
Protein change: p.Ala223Ser; replaces alanine 223 with serine.
Molecular consequence: missense variant. On other transcripts: non-coding transcript variant (1).
Genome position (GRCh38, 1-based): chr7:150,958,308, C>A on the plus strand (G>T on the coding strand, the complement: KCNH2 is on the minus strand). VCF-style: chr7-150958308-C-A. GRCh37 (hg19) VCF-style: chr7-150655396-C-A.
Other names: c.379G>T, p.Ala127Ser (NM_001406753.1, NM_001406756.1); c.490G>T, p.Ala164Ser (NM_001406755.1); c.367G>T, p.Ala123Ser (NM_001406757.1); c.667G>T, p.Ala223Ser (NM_172056.3); short protein forms A123S, A127S, A164S, A223S.
Identifiers: ClinVar variation 4805172 (VCV004805172.1).

ClinVar aggregate classification (germline): Uncertain significance (1 of 4 stars; one submission).

Conditions:
Long QT syndrome (LQTS). Identifiers: MedGen C0023976, MeSH D008133, MONDO:0002442. Disease mechanism: loss of function. Inheritance: Various modes of inheritance.

gnomAD v4.1: 2 of 1,481,644 alleles (0.00013%); highest among the groups gnomAD compares: Non-Finnish European, 0.00018%; no homozygotes.

Submission:

Labcorp Genetics (formerly Invitae), Labcorp
Classification: Uncertain significance for Long QT syndrome. Last evaluated: 2025-06-22. Review status: criteria provided, single submitter. Criteria: Invitae Variant Classification Sherloc (09022015). Collection method: clinical testing. Allele origin: germline.
Comment: This sequence change replaces alanine, which is neutral and non-polar, with serine, which is neutral and polar, at codon 223 of the KCNH2 protein (p.Ala223Ser). This variant is not present in population databases (gnomAD no frequency). This variant has not been reported in the literature in individuals affected with KCNH2-related conditions. An algorithm developed to predict the effect of missense changes on protein structure and function outputs the following: PolyPhen-2: "Benign". The serine amino acid residue is found in multiple mammalian species, which suggests that this missense change does not adversely affect protein function. In summary, the available evidence is currently insufficient to determine the role of this variant in disease. Therefore, it has been classified as a Variant of Uncertain Significance.